The following is an entry in ClinVar:

NM_000132.4(F8):c.650T>G (p.Leu217Arg)

Gene: F8 (coagulation factor VIII; minus strand). Cytogenetic location: Xq28.
Variant type: single nucleotide variant.
Coding change: c.650T>G on transcript NM_000132.4 (MANE Select); coding-DNA position 650, T replaced by G.
Protein change: p.Leu217Arg; replaces leucine 217 with arginine.
Molecular consequence: missense variant.
Genome position (GRCh38, 1-based): chrX:154,987,257, A>C on the plus strand (T>G on the coding strand, the complement: F8 is on the minus strand). VCF-style: chrX-154987257-A-C. GRCh37 (hg19) VCF-style: chrX-154215532-A-C.
Other names: short protein forms L217R.
Identifiers: ClinVar variation 1330896 (VCV001330896.7), dbSNP rs2124134359, ClinGen allele CA414919240.
Genomic context (GRCh38, chrX:154,987,257, plus strand): 5'-TTCTTTCAGGAATCCAAAATTCAGATTAAGACTCACTAACCTTCATCAAATACAGCAAAA[A>C]GTAGTATAAATTTGTGCAAGGTCTGTGTCTTTTCCTTGGCCAGACTCCCTGAAAAAGAAG-3'
Protein context (NP_000123.1, residues 207-227): KTQTLHKFIL[Leu217Arg]FAVFDEGKSW

ClinVar aggregate classification (germline): Likely pathogenic (1 of 4 stars; one submission).

Conditions:
Hereditary factor VIII deficiency disease (HEMA). Also called: HEMOPHILIA, CLASSIC; AUTOSOMAL HEMOPHILIA A; Hemophilia A; Hemophilia A, congenital; HEM A; Factor 8 deficiency, congenital. Identifiers: Orphanet 98878, MedGen C0019069, MONDO:0010602, OMIM 306700.

Submission:

ARUP Laboratories, Molecular Genetics and Genomics, ARUP Laboratories
Classification: Likely pathogenic for Hereditary factor VIII deficiency disease. Last evaluated: 2020-12-03. Review status: criteria provided, single submitter. Criteria: ARUP Molecular Germline Variant Investigation Process 2021. Collection method: clinical testing. Allele origin: germline.
Comment: The F8 c.650T>G; p.Leu217Arg variant, also known as Leu198Arg, is reported in the literature in individuals affected with severe hemophilia A (Green 2008, Johnsen 2017, see link to FVIII database). This variant is absent from general population databases (Exome Variant Server, Genome Aggregation Database), indicating it is not a common polymorphism. The leucine at codon 217 is highly conserved, and computational analyses predict that this variant is deleterious (REVEL: 0.957). Additionally, other amino acid substitutions at this codon (Phe, His, Pro) have been reported in individuals with hemophilia A (see link to FVIII database, Johnsen 2017, Lu 2018, Markoff 2009). Based on available information, this variant is considered to be likely pathogenic. References: Link to FVIII database: Green PM et al. Haemophilia A mutations in the UK: results of screening one-third of the population. Br J Haematol. 2008 Oct;143(1):115-28. Johnsen JM et al. Novel approach to genetic analysis and results in 3000 hemophilia patients enrolled in the My Life, Our Future initiative. Blood Adv. 2017 May 18;1(13):824-834. Lu Y et al. Spectrum and origin of mutations in sporadic cases of haemophilia A in China. Haemophilia. 2018 Mar;24(2):291-298. Markoff A et al. Combined homology modelling and evolutionary significance evaluation of missense mutations in blood clotting factor VIII to highlight aspects of structure and function. Haemophilia. 2009 Jul;15(4):932-41.